The following is an entry in ClinVar:

ClinVar aggregate classification (germline): Uncertain significance (1 of 4 stars; one submission).

Conditions:
Hereditary breast ovarian cancer syndrome. Also called: Hereditary breast and ovarian cancer syndrome; Hereditary breast and/or ovarian cancer syndrome; Hereditary breast and ovarian cancer syndrome (HBOC); Breast and ovarian cancer; BRCA1- and BRCA2-Associated Hereditary Breast and Ovarian Cancer; Hereditary breast and ovarian cancer. Identifiers: Orphanet 145, MedGen C0677776, MeSH D061325, MONDO:0003582. Disease mechanism: loss of function.

Submission:

Labcorp Genetics (formerly Invitae), Labcorp
Classification: Uncertain significance for Hereditary breast ovarian cancer syndrome. Last evaluated: 2021-08-04. Review status: criteria provided, single submitter. Criteria: Invitae Variant Classification Sherloc (09022015). Collection method: clinical testing. Allele origin: germline.
Comment: This variant results in a copy number gain of the genomic region encompassing exon(s) 2-18 of the BRCA1 gene. This region includes the initiator codon of the gene. The 5' end of this event is unknown as it extends beyond the assayed region for this gene and therefore may encompass additional genes. The 3' boundary is likely confined to intron 18 of the BRCA1 gene. As the precise location of this event is unknown, it may be in tandem or it may be located elsewhere in the genome. This variant has not been reported in the literature in individuals affected with BRCA1-related conditions. Experimental studies and prediction algorithms are not available or were not evaluated, and the functional significance of this variant is currently unknown. In summary, the available evidence is currently insufficient to determine the role of this variant in disease. Therefore, it has been classified as a Variant of Uncertain Significance.

NC_000017.10:g.(?_41215344)_(41276119_?)dup

Genes: BRCA1 (BRCA1 DNA repair associated; minus strand), LOC126862571 (BRD4-independent group 4 enhancer GRCh37_chr17:41243136-41244335; plus strand), LOC111589216 (BRCA1 intron 2 regulatory region; plus strand), LOC110485084 (BRCA1 intronic recombination region; plus strand). Cytogenetic location: 17q21.31.
Variant type: Duplication.
Identifiers: ClinVar variation 584327 (VCV000584327.2).